The following is an entry in ClinVar:

NM_004525.3(LRP2):c.13904A>G (p.Tyr4635Cys)

Gene: LRP2 (LDL receptor related protein 2; minus strand). Cytogenetic location: 2q31.1.
Variant type: single nucleotide variant.
Coding change: c.13904A>G on transcript NM_004525.3 (MANE Select); coding-DNA position 13904, A replaced by G.
Protein change: p.Tyr4635Cys; replaces tyrosine 4635 with cysteine.
Molecular consequence: missense variant.
Genome position (GRCh38, 1-based): chr2:169,128,727, T>C on the plus strand (A>G on the coding strand, the complement: LRP2 is on the minus strand). VCF-style: chr2-169128727-T-C. GRCh37 (hg19) VCF-style: chr2-169985237-T-C.
Other names: short protein forms Y4635C.
Identifiers: ClinVar variation 1960199 (VCV001960199.3), dbSNP rs369442840, ClinGen allele CA1952386.

ClinVar aggregate classification (germline): Uncertain significance. Review status: criteria provided, multiple submitters, no conflicts (2 of 4 stars). 2 submissions from 2 submitters: Uncertain significance (2). Last evaluated 2024-03-26.

Conditions:
Donnai-Barrow syndrome. Also called: DBS/FOAR SYNDROME; FACIOOCULOACOUSTICORENAL SYNDROME. Identifiers: Orphanet 2143, MedGen C1857277, MONDO:0009104, OMIM 222448.

Allele frequency attached by ClinVar (database versions not stated): gnomAD exomes below 0.00001; ExAC 0.00001; gnomAD 0.00001; TOPMed 0.00001; ESP Exome Variant Server 0.00008.
gnomAD v4.1: 3 of 1,614,024 alleles (0.00019%); highest among the groups gnomAD compares: Non-Finnish European, 0.00025%; no homozygotes.

Submissions (2):

Fulgent Genetics
Classification: Uncertain significance for Donnai-Barrow syndrome. Last evaluated: 2024-03-26. Review status: criteria provided, single submitter. Criteria: ACMG Guidelines, 2015. Collection method: clinical testing. Allele origin: germline.

Labcorp Genetics (formerly Invitae), Labcorp
Classification: Uncertain significance. Last evaluated: 2022-03-28. Review status: criteria provided, single submitter. Criteria: Invitae Variant Classification Sherloc (09022015). Collection method: clinical testing. Allele origin: germline.
Comment: This sequence change replaces tyrosine, which is neutral and polar, with cysteine, which is neutral and slightly polar, at codon 4635 of the LRP2 protein (p.Tyr4635Cys). This variant is present in population databases (rs369442840, gnomAD 0.0009%). This variant has not been reported in the literature in individuals affected with LRP2-related conditions. Algorithms developed to predict the effect of missense changes on protein structure and function (SIFT, PolyPhen-2, Align-GVGD) all suggest that this variant is likely to be disruptive. In summary, the available evidence is currently insufficient to determine the role of this variant in disease. Therefore, it has been classified as a Variant of Uncertain Significance.